The following is an entry in ClinVar:

NM_000238.4(KCNH2):c.553_560del (p.Ala185fs)

Gene: KCNH2 (potassium voltage-gated channel subfamily H member 2; minus strand). Cytogenetic location: 7q36.1.
Variant type: Deletion.
Coding change: c.553_560del on transcript NM_000238.4 (MANE Select); coding-DNA positions 553 to 560, 8 bases deleted (GCGGGCGG; older notation c.553_560delGCGGGCGG).
Protein change: p.Ala185fs; shifts the reading frame from alanine 185.
Molecular consequence: frameshift variant.
Genome position (GRCh38, 1-based): chr7:150,958,415-150,958,422, CCGCCCGC deleted on the plus strand (GCGGGCGG on the coding strand, the reverse complement: KCNH2 is on the minus strand). VCF-style (leftmost placement, unchanged base first): chr7-150958414-GCCGCCCGC-G. GRCh37 (hg19) VCF-style: chr7-150655502-GCCGCCCGC-G.
Other names: c.265_272delGCGGGCGG, p.Ala89Argfs (NM_001406753.1, NM_001406756.1); c.376_383delGCGGGCGG, p.Ala126Argfs (NM_001406755.1); c.253_260delGCGGGCGG, p.Ala85Argfs (NM_001406757.1); c.553_560delGCGGGCGG, p.Ala185Argfs (NM_172056.3); short protein forms A185fs.
Identifiers: ClinVar variation 1994302 (VCV001994302.4), dbSNP rs2486094069, ClinGen allele CA2580077702.

ClinVar aggregate classification (germline): Pathogenic (1 of 4 stars; one submission).

Conditions:
Long QT syndrome (LQTS). Identifiers: MedGen C0023976, MeSH D008133, MONDO:0002442. Disease mechanism: loss of function. Inheritance: Various modes of inheritance.

Submission:

Labcorp Genetics (formerly Invitae), Labcorp
Classification: Pathogenic for Long QT syndrome. Last evaluated: 2022-05-14. Review status: criteria provided, single submitter. Criteria: Invitae Variant Classification Sherloc (09022015). Collection method: clinical testing. Allele origin: germline.
Comment: For these reasons, this variant has been classified as Pathogenic. This sequence change creates a premature translational stop signal (p.Ala185Argfs*144) in the KCNH2 gene. It is expected to result in an absent or disrupted protein product. Loss-of-function variants in KCNH2 are known to be pathogenic (PMID: 10973849, 19862833). This variant is not present in population databases (gnomAD no frequency). This variant has not been reported in the literature in individuals affected with KCNH2-related conditions.

Literature cited by the submitters: PubMed 10973849; PubMed 19862833.